The following is an entry in ClinVar:

NM_001302371.3(NBPF10):c.9268= (p.Thr3090=)

Gene: NBPF10 (NBPF member 10; minus strand). Cytogenetic location: 1q21.1.
Variant type: Variation.
Coding change: c.9268= on transcript NM_001302371.3 (MANE Select); coding-DNA position 9268, no change from the reference sequence.
Protein change: p.Thr3090=; no amino-acid change (threonine 3090 retained).
Molecular consequence: no sequence alteration.
Genome position: GRCh38 VCF-style: chr1-146079085-T-T. GRCh37 (hg19) VCF-style: chr1-145359109-T-A.
Other names: c.9268=, p.Thr3090= (NM_001039703.6).
Identifiers: ClinVar variation 2639101 (VCV002639101.24).

ClinVar aggregate classification (germline): Likely benign (1 of 4 stars; one submission).

Submission:

CeGaT Center for Human Genetics Tuebingen
Classification: Likely benign. Last evaluated: 2023-08-01. Review status: criteria provided, single submitter. Criteria: CeGaT Center For Human Genetics Tuebingen Variant Classification Criteria Version 2. Collection method: clinical testing. Allele origin: germline. Affected: yes. Observed: 1 variant allele.
Comment: NBPF10: BS2